The following is an entry in ClinVar:

NM_001122955.4(BSCL2):c.870G>C (p.Leu290=)

Genes: BSCL2 (BSCL2 lipid droplet biogenesis associated, seipin; minus strand), HNRNPUL2-BSCL2 (HNRNPUL2-BSCL2 readthrough (NMD candidate); minus strand). Cytogenetic location: 11q12.3.
Variant type: single nucleotide variant.
Coding change: c.870G>C on transcript NM_001122955.4 (MANE Select); coding-DNA position 870, G replaced by C.
Protein change: p.Leu290=; no amino-acid change (leucine 290 retained).
Molecular consequence: synonymous variant. On other transcripts: non-coding transcript variant (1), intron variant (1).
Genome position (GRCh38, 1-based): chr11:62,691,415, C>G on the plus strand (G>C on the coding strand, the complement: BSCL2 is on the minus strand). VCF-style: chr11-62691415-C-G. GRCh37 (hg19) VCF-style: chr11-62458887-C-G.
Other names: c.870G>C, p.Leu290= (NM_001386027.1, NM_001386028.1); c.678G>C, p.Leu226= (NM_032667.6); c.672-274G>C (NM_001130702.2).
Identifiers: ClinVar variation 386388 (VCV000386388.10), dbSNP rs767104988, ClinGen allele CA6053417.

ClinVar aggregate classification (germline): Likely benign. Review status: criteria provided, multiple submitters, no conflicts (2 of 4 stars). 3 submissions from 3 submitters: Likely benign (3). Last evaluated 2024-12-24.

Conditions:
Charcot-Marie-Tooth disease type 2. Also called: Charcot-Marie-Tooth type 2. Identifiers: Orphanet 64746, MedGen C0270914, MONDO:0018993.
Inborn genetic diseases. Identifiers: MedGen C0950123, MeSH D030342.

Allele frequency attached by ClinVar (database versions not stated): ExAC 0.00001; gnomAD exomes 0.00004 and 0.00002; TOPMed 0.00003; gnomAD 0.00004.
gnomAD v4.1: 34 of 1,614,034 alleles (0.0021%); highest among the groups gnomAD compares: Non-Finnish European, 0.0027%; no homozygotes.

Submissions (3):

Labcorp Genetics (formerly Invitae), Labcorp
Classification: Likely benign for Charcot-Marie-Tooth disease type 2. Last evaluated: 2024-12-24. Review status: criteria provided, single submitter. Criteria: Invitae Variant Classification Sherloc (09022015). Collection method: clinical testing. Allele origin: germline.

Ambry Genetics
Classification: Likely benign for Inborn genetic diseases. Last evaluated: 2019-07-11. Review status: criteria provided, single submitter. Criteria: Ambry Variant Classification Scheme 2023. Collection method: clinical testing. Allele origin: germline.

GeneDx
Classification: Likely benign. Last evaluated: 2016-05-24. Review status: criteria provided, single submitter. Criteria: GeneDx Variant Classification (06012015). Collection method: clinical testing. Allele origin: germline. Affected: yes.
Comment: This variant is considered likely benign or benign based on one or more of the following criteria: it is a conservative change, it occurs at a poorly conserved position in the protein, it is predicted to be benign by multiple in silico algorithms, and/or has population frequency not consistent with disease.